The following is an entry in ClinVar:

NM_033028.5(BBS4):c.697C>G (p.Pro233Ala)

Gene: BBS4 (Bardet-Biedl syndrome 4; plus strand). Cytogenetic location: 15q24.1.
Variant type: single nucleotide variant.
Coding change: c.697C>G on transcript NM_033028.5 (MANE Select); coding-DNA position 697, C replaced by G.
Protein change: p.Pro233Ala; replaces proline 233 with alanine.
Molecular consequence: missense variant. On other transcripts: non-coding transcript variant (2), intron variant (1).
Genome position (GRCh38, 1-based): chr15:72,729,670, C>G. VCF-style: chr15-72729670-C-G. GRCh37 (hg19) VCF-style: chr15-73022011-C-G.
Other names: c.697C>G (NM_033028.3, NM_033028.4); c.181C>G, p.Pro61Ala (NM_001252678.2); c.643-1635C>G (NM_001320665.2); short protein forms P233A, P61A.
Identifiers: ClinVar variation 1001626 (VCV001001626.7), dbSNP rs569388336, ClinGen allele CA7646727.

ClinVar aggregate classification (germline): Uncertain significance. Review status: criteria provided, multiple submitters, no conflicts (2 of 4 stars). 5 submissions from 5 submitters: Uncertain significance (5). Last evaluated 2026-04-04.

Conditions:
BBS4-related disorder. Also called: BBS4-related condition.
Bardet-Biedl syndrome (BBS). Identifiers: Orphanet 110, MedGen C0752166, MONDO:0015229.
Bardet-Biedl syndrome 4 (BBS4). Identifiers: Orphanet 110, MedGen C2936864, MONDO:0014433, OMIM 615982.
Inborn genetic diseases. Identifiers: MedGen C0950123, MeSH D030342.

Allele frequency attached by ClinVar (database versions not stated): TOPMed below 0.00001; gnomAD 0.00001; gnomAD exomes 0.00001; ExAC 0.00002.
gnomAD v4.1: 20 of 1,613,892 alleles (0.0012%); highest among the groups gnomAD compares: Middle Eastern, 0.033%; no homozygotes.

Submissions (5):

PreventionGenetics, part of Exact Sciences
Classification: Uncertain significance for BBS4-related condition. Last evaluated: 2026-04-04. Review status: criteria provided, single submitter. Criteria: ACMG Guidelines, 2015. Collection method: clinical testing. Allele origin: germline.
Comment: The BBS4 c.697C>G variant is predicted to result in the amino acid substitution p.Pro233Ala. To our knowledge, this variant has not been reported in the literature. This variant is reported in 0.0018% of alleles in individuals of European (Non-Finnish) descent in gnomAD. At this time, the clinical significance of this variant is uncertain due to the absence of conclusive functional and genetic evidence.

Blueprint Genetics
Classification: Uncertain significance. Last evaluated: 2024-09-16. Review status: criteria provided, single submitter. Criteria: ACMG Guidelines, 2015. Collection method: clinical testing. Allele origin: germline.

Labcorp Genetics (formerly Invitae), Labcorp
Classification: Uncertain significance for Bardet-Biedl syndrome. Last evaluated: 2022-02-09. Review status: criteria provided, single submitter. Criteria: Invitae Variant Classification Sherloc (09022015). Collection method: clinical testing. Allele origin: germline.
Comment: This sequence change replaces proline, which is neutral and non-polar, with alanine, which is neutral and non-polar, at codon 233 of the BBS4 protein (p.Pro233Ala). This variant is present in population databases (rs569388336, gnomAD 0.003%). This variant has not been reported in the literature in individuals affected with BBS4-related conditions. ClinVar contains an entry for this variant (Variation ID: 1001626). Algorithms developed to predict the effect of missense changes on protein structure and function are either unavailable or do not agree on the potential impact of this missense change (SIFT: "Tolerated"; PolyPhen-2: "Possibly Damaging"; Align-GVGD: "Class C0"). In summary, the available evidence is currently insufficient to determine the role of this variant in disease. Therefore, it has been classified as a Variant of Uncertain Significance.

Ambry Genetics
Classification: Uncertain significance for Inborn genetic diseases. Last evaluated: 2021-09-16. Review status: criteria provided, single submitter. Criteria: Ambry Variant Classification Scheme 2023. Collection method: clinical testing. Allele origin: germline.

Fulgent Genetics
Classification: Uncertain significance for Bardet-Biedl syndrome 4. Last evaluated: 2021-07-26. Review status: criteria provided, single submitter. Criteria: ACMG Guidelines, 2015. Collection method: clinical testing. Allele origin: unknown.